The following is an entry in ClinVar:

NM_172364.5(CACNA2D4):c.*1596G>A

Gene: CACNA2D4 (calcium voltage-gated channel auxiliary subunit alpha2delta 4; minus strand). Cytogenetic location: 12p13.33.
Variant type: single nucleotide variant.
Coding change: c.*1596G>A on transcript NM_172364.5 (MANE Select); 1596 bases downstream of the stop codon, G replaced by A.
Molecular consequence: 3 prime UTR variant.
Genome position (GRCh38, 1-based): chr12:1,792,059, C>T on the plus strand (G>A on the coding strand, the complement: CACNA2D4 is on the minus strand). VCF-style: chr12-1792059-C-T. GRCh37 (hg19) VCF-style: chr12-1901225-C-T.
Identifiers: ClinVar variation 307797 (VCV000307797.5), dbSNP rs114262354, ClinGen allele CA10640573.

ClinVar aggregate classification (germline): Benign (1 of 4 stars; one submission).

Conditions:
Retinal cone dystrophy 4 (RCD4). Identifiers: Orphanet 1872, MedGen C1864849, MONDO:0012507, OMIM 610478.

Allele frequency attached by ClinVar (database versions not stated): gnomAD 0.00484 and 0.00523; TOPMed 0.00498; 1000 Genomes Project 0.00679; 1000 Genomes Project 30x 0.00781.

Submission:

Illumina Laboratory Services, Illumina
Classification: Benign for Retinal cone dystrophy 4. Last evaluated: 2018-01-12. Review status: criteria provided, single submitter. Criteria: ICSL Variant Classification Criteria 13 December 2019. Collection method: clinical testing. Allele origin: germline.
Comment: This variant was observed in the ICSL laboratory as part of a predisposition screen in an ostensibly healthy population. It had not been previously curated by ICSL or reported in the Human Gene Mutation Database (HGMD: prior to June 1st, 2018), and was therefore a candidate for classification through an automated scoring system. Utilizing variant allele frequency, disease prevalence and penetrance estimates, and inheritance mode, an automated score was calculated to assess if this variant is too frequent to cause the disease. Based on the score and internal cut-off values, a variant classified as benign is not then subjected to further curation. The score for this variant resulted in a classification of benign for this disease.